The following is an entry in ClinVar:

ClinVar aggregate classification (germline): Benign (0 of 4 stars; one submission).

Conditions:
NLRP2-related disorder. Also called: NLRP2-related condition.

Allele frequency attached by ClinVar (database versions not stated): gnomAD exomes 0.00063; ExAC 0.00226; gnomAD 0.00651; ESP Exome Variant Server 0.00700; TOPMed 0.00718; 1000 Genomes Project 0.00879; 1000 Genomes Project 30x 0.00890.

Submission:

PreventionGenetics, part of Exact Sciences
Classification: Benign for NLRP2-related condition. Last evaluated: 2019-02-27. Review status: no assertion criteria provided. Collection method: clinical testing. Allele origin: germline.
Comment: This variant is classified as benign based on ACMG/AMP sequence variant interpretation guidelines (Richards et al. 2015 PMID: 25741868, with internal and published modifications).

NM_017852.5(NLRP2):c.1681G>A (p.Ala561Thr)

Gene: NLRP2 (NLR family pyrin domain containing 2; plus strand). Cytogenetic location: 19q13.42.
Variant type: single nucleotide variant.
Coding change: c.1681G>A on transcript NM_017852.5 (MANE Select); coding-DNA position 1681, G replaced by A.
Protein change: p.Ala561Thr; replaces alanine 561 with threonine.
Molecular consequence: missense variant. On other transcripts: non-coding transcript variant (1).
Genome position (GRCh38, 1-based): chr19:54,983,379, G>A. VCF-style: chr19-54983379-G-A. GRCh37 (hg19) VCF-style: chr19-55494747-G-A.
Other names: c.1681G>A, p.Ala561Thr (NM_001174081.3); c.1615G>A, p.Ala539Thr (NM_001174082.3); c.1612G>A, p.Ala538Thr (NM_001174083.2); c.1672G>A, p.Ala558Thr (NM_001348003.2); short protein forms A538T, A539T, A558T, A561T.
Identifiers: ClinVar variation 3037764 (VCV003037764.2), dbSNP rs61735086, ClinGen allele CA310105330.